The following is an entry in ClinVar:

ClinVar aggregate classification (germline): Benign. Review status: criteria provided, single submitter (1 of 4 stars). 2 submissions from 1 submitter: Benign (2). Last evaluated 2018-01-12.

Conditions:
Autosomal recessive nonsyndromic hearing loss 37. Identifiers: Orphanet 90636, MedGen C1843028, MONDO:0011912, OMIM 607821.
Autosomal dominant nonsyndromic hearing loss 22. Also called: Autosomal dominant nonsyndromic deafness 22; DFNA 22. Identifiers: Orphanet 228012, MedGen C2931767, MONDO:0011660, OMIM 606346.

Allele frequency attached by ClinVar (database versions not stated): gnomAD 0.33693 and 0.33937; TOPMed 0.34271; 1000 Genomes Project 0.34784; 1000 Genomes Project 30x 0.35228; gnomAD exomes 0.39286.
gnomAD v4.1: 51,699 of 152,034 alleles (34%); highest among the groups gnomAD compares: Admixed American, 42%; 8,957 homozygotes.

Submissions (2):

Illumina Laboratory Services, Illumina
Classification: Benign for Autosomal dominant nonsyndromic hearing loss 22. Last evaluated: 2018-01-12. Review status: criteria provided, single submitter. Criteria: ICSL Variant Classification Criteria 13 December 2019. Collection method: clinical testing. Allele origin: germline.
Comment: This variant was observed in the ICSL laboratory as part of a predisposition screen in an ostensibly healthy population. It had not been previously curated by ICSL or reported in the Human Gene Mutation Database (HGMD: prior to June 1st, 2018), and was therefore a candidate for classification through an automated scoring system. Utilizing variant allele frequency, disease prevalence and penetrance estimates, and inheritance mode, an automated score was calculated to assess if this variant is too frequent to cause the disease. Based on the score and internal cut-off values, a variant classified as benign is not then subjected to further curation. The score for this variant resulted in a classification of benign for this disease.

Illumina Laboratory Services, Illumina
Classification: Benign for Autosomal recessive nonsyndromic hearing loss 37. Last evaluated: 2018-01-12. Review status: criteria provided, single submitter. Criteria: ICSL Variant Classification Criteria 13 December 2019. Collection method: clinical testing. Allele origin: germline.
Comment: the same text as in the submission from Illumina Laboratory Services, Illumina above.

NM_004999.4(MYO6):c.*3940T>C

Gene: MYO6 (myosin VI; plus strand). Cytogenetic location: 6q14.1.
Variant type: single nucleotide variant.
Coding change: c.*3940T>C on transcript NM_004999.4 (MANE Select); 3940 bases downstream of the stop codon, T replaced by C.
Molecular consequence: 3 prime UTR variant. On other transcripts: non-coding transcript variant (1).
Genome position (GRCh38, 1-based): chr6:75,918,952, T>C. VCF-style: chr6-75918952-T-C. GRCh37 (hg19) VCF-style: chr6-76628669-T-C.
Other names: c.*3940T>C (NM_001300899.2, NM_001368136.1, NM_001368137.1 and 3 more transcripts).
Identifiers: ClinVar variation 358052 (VCV000358052.5), dbSNP rs11964034, ClinGen allele CA10624675.
Genomic context (GRCh38, chr6:75,918,952, plus strand): 5'-GGTGGATCACGAGGTCAAGACTTCGAGACCAGCCTGGCCAACATGGTGAAACCCTGTCTC[T>C]ACTAAAAATACAAAACATTAGCCAGGCGTGGTAGTGGGTGCCTGTAATCCCTGCTACTTG-3'